The following is an entry in ClinVar:

NM_024408.4(NOTCH2):c.1698G>A (p.Leu566=)

Gene: NOTCH2 (notch receptor 2; minus strand). Cytogenetic location: 1p12.
Variant type: single nucleotide variant.
Coding change: c.1698G>A on transcript NM_024408.4 (MANE Select); coding-DNA position 1698, G replaced by A.
Protein change: p.Leu566=; no amino-acid change (leucine 566 retained).
Molecular consequence: synonymous variant.
Genome position (GRCh38, 1-based): chr1:119,963,791, C>T on the plus strand (G>A on the coding strand, the complement: NOTCH2 is on the minus strand). VCF-style: chr1-119963791-C-T. GRCh37 (hg19) VCF-style: chr1-120506414-C-T.
Other names: c.1698G>A, p.Leu566= (NM_001200001.2).
Identifiers: ClinVar variation 3344918 (VCV003344918.1).

ClinVar aggregate classification (germline): Likely benign (0 of 4 stars; one submission).

Conditions:
NOTCH2-related disorder. Also called: NOTCH2-related condition.

Submission:

PreventionGenetics, part of Exact Sciences
Classification: Likely benign for NOTCH2-related condition. Last evaluated: 2024-08-03. Review status: no assertion criteria provided. Collection method: clinical testing. Allele origin: germline.
Comment: This variant is classified as likely benign based on ACMG/AMP sequence variant interpretation guidelines (Richards et al. 2015 PMID: 25741868, with internal and published modifications).